The following is an entry in ClinVar:

NM_001482.3(GATM):c.1166C>G (p.Thr389Ser)

Gene: GATM (glycine amidinotransferase; minus strand). Cytogenetic location: 15q21.1.
Variant type: single nucleotide variant.
Coding change: c.1166C>G on transcript NM_001482.3 (MANE Select); coding-DNA position 1166, C replaced by G.
Protein change: p.Thr389Ser; replaces threonine 389 with serine.
Molecular consequence: missense variant.
Genome position (GRCh38, 1-based): chr15:45,362,215, G>C on the plus strand (C>G on the coding strand, the complement: GATM is on the minus strand). VCF-style: chr15-45362215-G-C. GRCh37 (hg19) VCF-style: chr15-45654413-G-C.
Other names: c.779C>G, p.Thr260Ser (NM_001321015.2); short protein forms T260S, T389S.
Identifiers: ClinVar variation 1714173 (VCV001714173.5), dbSNP rs1450827920, ClinGen allele CA392255054.

ClinVar aggregate classification (germline): Uncertain significance (1 of 4 stars; one submission).

Conditions:
Arginine:glycine amidinotransferase deficiency (CCDS3). Also called: AGAT deficiency; L-Arginine:Glycine Amidinotransferase Deficiency; Creatine deficiency syndrome due to AGAT deficiency; GATM deficiency; Cerebral creatine deficiency syndrome 3; L-Arginine:Glycine Amidinotransferase (AGAT) Deficiency. Identifiers: Orphanet 35704, MedGen C2675179, MONDO:0012996, OMIM 612718.

Submission:

Labcorp Genetics (formerly Invitae), Labcorp
Classification: Uncertain significance for Arginine:glycine amidinotransferase deficiency. Last evaluated: 2022-08-08. Review status: criteria provided, single submitter. Criteria: Invitae Variant Classification Sherloc (09022015). Collection method: clinical testing. Allele origin: germline.
Comment: This sequence change replaces threonine, which is neutral and polar, with serine, which is neutral and polar, at codon 389 of the GATM protein (p.Thr389Ser). In summary, the available evidence is currently insufficient to determine the role of this variant in disease. Therefore, it has been classified as a Variant of Uncertain Significance. Algorithms developed to predict the effect of missense changes on protein structure and function output the following: SIFT: "Tolerated"; PolyPhen-2: "Benign"; Align-GVGD: "Class C0". The serine amino acid residue is found in multiple mammalian species, which suggests that this missense change does not adversely affect protein function. This variant has not been reported in the literature in individuals affected with GATM-related conditions. This variant is not present in population databases (gnomAD no frequency).